The following is an entry in ClinVar:

NM_177438.3(DICER1):c.903+6C>T

Gene: DICER1 (dicer 1, ribonuclease III; minus strand). Cytogenetic location: 14q32.13.
Variant type: single nucleotide variant.
Coding change: c.903+6C>T on transcript NM_177438.3 (MANE Select); 6 bases into the intron after coding-DNA position 903, C replaced by T.
Molecular consequence: intron variant.
Genome position (GRCh38, 1-based): chr14:95,126,574, G>A on the plus strand (C>T on the coding strand, the complement: DICER1 is on the minus strand). VCF-style: chr14-95126574-G-A. GRCh37 (hg19) VCF-style: chr14-95592911-G-A.
Other names: c.903+6C>T (NM_001291628.2, NM_030621.4, NM_001395677.1 and 14 more transcripts); c.498+6C>T (NM_001395690.1, NM_001395687.1, NM_001395689.1 and 3 more transcripts); c.621+6C>T (NM_001395686.1); c.336+6C>T (NM_001395691.1); c.-666+6C>T (NM_001395697.1).
Identifiers: ClinVar variation 4539141 (VCV004539141.1).

ClinVar aggregate classification (germline): Uncertain significance (1 of 4 stars; one submission).

gnomAD v4.1: 1 of 1,475,936 alleles (0.000068%); highest among the groups gnomAD compares: Admixed American, 0.0017%; no homozygotes.

Submission:

Center for Genomic Medicine, Rigshospitalet, Copenhagen University Hospital
Classification: Uncertain significance. Last evaluated: 2025-12-29. Review status: criteria provided, single submitter. Criteria: ACMG Guidelines, 2015. Collection method: clinical testing. Allele origin: germline.
Comment: Classification criteria: BP4